The following is an entry in ClinVar:

ClinVar aggregate classification (germline): Benign (1 of 4 stars; one submission).

Allele frequency attached by ClinVar (database versions not stated): gnomAD 0.03726 and 0.03902; TOPMed 0.04123; 1000 Genomes Project 30x 0.04872; 1000 Genomes Project 0.05172.
gnomAD v4.1: 5,930 of 152,240 alleles (3.9%); highest among the groups gnomAD compares: South Asian, 8.7%; 145 homozygotes.

Submission:

GeneDx
Classification: Benign. Last evaluated: 2018-06-19. Review status: criteria provided, single submitter. Criteria: GeneDx Variant Classification (06012015). Collection method: clinical testing. Allele origin: germline. Affected: yes.
Comment: This variant is considered likely benign or benign based on one or more of the following criteria: it is a conservative change, it occurs at a poorly conserved position in the protein, it is predicted to be benign by multiple in silico algorithms, and/or has population frequency not consistent with disease.

NM_018993.4(RIN2):c.-36-3284G>A

Gene: RIN2 (Ras and Rab interactor 2; plus strand). Cytogenetic location: 20p11.23.
Variant type: single nucleotide variant.
Coding change: c.-36-3284G>A on transcript NM_018993.4 (MANE Select); 3284 bases into the intron before 36 bases upstream of the start codon, G replaced by A.
Molecular consequence: intron variant.
Genome position (GRCh38, 1-based): chr20:19,886,282, G>A. VCF-style: chr20-19886282-G-A. GRCh37 (hg19) VCF-style: chr20-19866926-G-A.
Other names: c.-581-3284G>A (NM_001378238.1).
Identifiers: ClinVar variation 669475 (VCV000669475.1), dbSNP rs75113125, ClinGen allele CA14795875.